The following is an entry in ClinVar:

ClinVar aggregate classification (germline): Uncertain significance (1 of 4 stars; one submission).

Submission:

GeneDx
Classification: Uncertain significance. Last evaluated: 2019-05-16. Review status: criteria provided, single submitter. Criteria: GeneDx Variant Classification Process June 2021. Collection method: clinical testing. Allele origin: germline. Affected: yes.
Comment: Not observed in large population cohorts (Lek et al., 2016); In silico analysis, which includes protein predictors and evolutionary conservation, supports a deleterious effect; Has not been previously published as pathogenic or benign to our knowledge

NM_000548.5(TSC2):c.1229T>C (p.Leu410Pro)

Gene: TSC2 (TSC complex subunit 2; plus strand). Cytogenetic location: 16p13.3.
Variant type: single nucleotide variant.
Coding change: c.1229T>C on transcript NM_000548.5 (MANE Select); coding-DNA position 1229, T replaced by C.
Protein change: p.Leu410Pro; replaces leucine 410 with proline.
Molecular consequence: missense variant.
Genome position (GRCh38, 1-based): chr16:2,061,980, T>C. VCF-style: chr16-2061980-T-C. GRCh37 (hg19) VCF-style: chr16-2111981-T-C.
Other names: c.1229T>C, p.Leu410Pro (NM_001077183.3, NM_001114382.3, NM_001363528.2 and 3 more transcripts); c.1118T>C, p.Leu373Pro (NM_001318827.2); c.1082T>C, p.Leu361Pro (NM_001318829.2); c.629T>C, p.Leu210Pro (NM_001318831.2); c.1262T>C, p.Leu421Pro (NM_001318832.2); short protein forms L210P, L361P, L373P, L410P, L421P.
Identifiers: ClinVar variation 1306061 (VCV001306061.2), dbSNP rs137854298, ClinGen allele CA394321222.